The following is an entry in ClinVar:

ClinVar aggregate classification (germline): Uncertain significance. Review status: criteria provided, multiple submitters, no conflicts (2 of 4 stars). 2 submissions from 2 submitters: Uncertain significance (2). Last evaluated 2025-07-28.

Conditions:
Renal cell carcinoma. Identifiers: Orphanet 217071, MedGen C0007134, MeSH D002292, MONDO:0005086, HP:0005584.
Hereditary cancer-predisposing syndrome. Also called: Hereditary neoplastic syndrome; Neoplastic Syndromes, Hereditary; Tumor predisposition; Hereditary Cancer Syndrome. Identifiers: Orphanet 140162, MedGen C0027672, MeSH D009386, MONDO:0015356.

Allele frequency attached by ClinVar (database versions not stated): gnomAD exomes below 0.00001.
gnomAD v4.1: 2 of 1,613,990 alleles (0.00012%); highest among the groups gnomAD compares: Non-Finnish European, 0.000085%; no homozygotes.

Submissions (2):

Ambry Genetics
Classification: Uncertain significance for Hereditary cancer-predisposing syndrome. Last evaluated: 2025-07-28. Review status: criteria provided, single submitter. Criteria: Ambry Variant Classification Scheme 2023. Collection method: clinical testing. Allele origin: germline.
Comment: The p.M39T variant (also known as c.116T>C), located in coding exon 1 of the MET gene, results from a T to C substitution at nucleotide position 116. The methionine at codon 39 is replaced by threonine, an amino acid with similar properties. This amino acid position is conserved. In addition, this alteration is predicted to be tolerated by in silico analysis. Since supporting evidence is limited at this time, the clinical significance of this alteration remains unclear.

Labcorp Genetics (formerly Invitae), Labcorp
Classification: Uncertain significance for Renal cell carcinoma. Last evaluated: 2025-04-18. Review status: criteria provided, single submitter. Criteria: Invitae Variant Classification Sherloc (09022015). Collection method: clinical testing. Allele origin: germline.
Comment: This sequence change replaces methionine, which is neutral and non-polar, with threonine, which is neutral and polar, at codon 39 of the MET protein (p.Met39Thr). This variant is not present in population databases (gnomAD no frequency). This variant has not been reported in the literature in individuals affected with MET-related conditions. ClinVar contains an entry for this variant (Variation ID: 246619). Invitae Evidence Modeling of protein sequence and biophysical properties (such as structural, functional, and spatial information, amino acid conservation, physicochemical variation, residue mobility, and thermodynamic stability) indicates that this missense variant is not expected to disrupt MET protein function with a negative predictive value of 80%. In summary, the available evidence is currently insufficient to determine the role of this variant in disease. Therefore, it has been classified as a Variant of Uncertain Significance.

NM_000245.4(MET):c.116T>C (p.Met39Thr)

Gene: MET (MET proto-oncogene, receptor tyrosine kinase; plus strand). Cytogenetic location: 7q31.2.
Variant type: single nucleotide variant.
Coding change: c.116T>C on transcript NM_000245.4 (MANE Select); coding-DNA position 116, T replaced by C.
Protein change: p.Met39Thr; replaces methionine 39 with threonine.
Molecular consequence: missense variant. On other transcripts: intron variant (1).
Genome position (GRCh38, 1-based): chr7:116,699,200, T>C. VCF-style: chr7-116699200-T-C. GRCh37 (hg19) VCF-style: chr7-116339254-T-C.
Other names: c.116T>C, p.Met39Thr (NM_001127500.3, NM_001324401.3); c.-91+26623T>C (NM_001324402.2); short protein forms M39T.
Identifiers: ClinVar variation 246619 (VCV000246619.13), dbSNP rs879254330, ClinGen allele CA10584659.